The following is an entry in ClinVar:

NM_001082486.2(ACD):c.641C>T (p.Ala214Val)

Gene: ACD (ACD shelterin complex subunit and telomerase recruitment factor; minus strand). Cytogenetic location: 16q22.1.
Variant type: single nucleotide variant.
Coding change: c.641C>T on transcript NM_001082486.2 (MANE Select); coding-DNA position 641, C replaced by T.
Protein change: p.Ala214Val; replaces alanine 214 with valine.
Molecular consequence: missense variant.
Genome position (GRCh38, 1-based): chr16:67,658,932, G>A on the plus strand (C>T on the coding strand, the complement: ACD is on the minus strand). VCF-style: chr16-67658932-G-A. GRCh37 (hg19) VCF-style: chr16-67692835-G-A.
Other names: c.632C>T, p.Ala211Val (NM_022914.3); short protein forms A214V, A211V.
Identifiers: ClinVar variation 1397029 (VCV001397029.8), dbSNP rs1306270247, ClinGen allele CA396353849.

ClinVar aggregate classification (germline): Uncertain significance (1 of 4 stars; one submission).

Conditions:
Dyskeratosis congenita, autosomal dominant 6 (DKCA6). Identifiers: Orphanet 3322, MedGen C4225284, MONDO:0014690, OMIM 616553.

Allele frequency attached by ClinVar (database versions not stated): gnomAD exomes below 0.00001.

Submission:

Labcorp Genetics (formerly Invitae), Labcorp
Classification: Uncertain significance for Dyskeratosis congenita, autosomal dominant 6. Last evaluated: 2022-07-19. Review status: criteria provided, single submitter. Criteria: Invitae Variant Classification Sherloc (09022015). Collection method: clinical testing. Allele origin: germline.
Comment: Algorithms developed to predict the effect of sequence changes on RNA splicing suggest that this variant may create or strengthen a splice site. Algorithms developed to predict the effect of missense changes on protein structure and function are either unavailable or do not agree on the potential impact of this missense change (SIFT: "Tolerated"; PolyPhen-2: "Possibly Damaging"; Align-GVGD: "Class C0"). ClinVar contains an entry for this variant (Variation ID: 1397029). This variant has not been reported in the literature in individuals affected with ACD-related conditions. This variant is present in population databases (no rsID available, gnomAD 0.007%). This sequence change replaces alanine, which is neutral and non-polar, with valine, which is neutral and non-polar, at codon 300 of the ACD protein (p.Ala300Val). In summary, the available evidence is currently insufficient to determine the role of this variant in disease. Therefore, it has been classified as a Variant of Uncertain Significance.